The following is an entry in ClinVar:

ClinVar aggregate classification (germline): Conflicting classifications of pathogenicity. Review status: criteria provided, conflicting classifications (1 of 4 stars). 9 submissions from 9 submitters: Uncertain significance (1); Benign (4); Likely benign (4). Last evaluated 2026-05-27.

Conditions:
PLEC-related disorder. Also called: PLEC-related disorders; PLEC-related condition.
Epidermolysis bullosa simplex with nail dystrophy (EBS5D). Identifiers: MedGen C4225309, MONDO:0014661, OMIM 616487.
Epidermolysis bullosa simplex 5C, with pyloric atresia (EBS5C). Also called: PLEC-Related Epidermolysis Bullosa with Pyloric Atresia; Epidermolysis bullosa simplex with pyloric atresia; PLEC1-Related Epidermolysis Bullosa with Pyloric Atresia. Identifiers: Orphanet 158684, MedGen C2677349, MONDO:0012807, OMIM 612138.
Epidermolysis bullosa simplex 5B, with muscular dystrophy (EBS5B). Also called: EPIDERMOLYSIS BULLOSA SIMPLEX AND LIMB-GIRDLE MUSCULAR DYSTROPHY; Epidermolysis bullosa simplex with muscular dystrophy. Identifiers: Orphanet 257, MedGen C2931072, MONDO:0009181, OMIM 226670.
Autosomal recessive limb-girdle muscular dystrophy type 2Q (LGMDR17). Also called: MUSCULAR DYSTROPHY, LIMB-GIRDLE, AUTOSOMAL RECESSIVE 17. Identifiers: Orphanet 254361, MedGen C3150989, MONDO:0013390, OMIM 613723.
Epidermolysis bullosa simplex, Ogna type (EBS5A). Also called: Pidermolysis bullosa simplex 5A, Ogna type; EPIDERMOLYSIS BULLOSA SIMPLEX 5A, OGNA TYPE. Identifiers: Orphanet 79401, MedGen C0432317, MONDO:0007555, OMIM 131950.
Inborn genetic diseases. Identifiers: MedGen C0950123, MeSH D030342.

Allele frequency attached by ClinVar (database versions not stated): ESP Exome Variant Server 0.00227; gnomAD exomes 0.00074; ExAC 0.00079; 1000 Genomes Project 0.00319; gnomAD 0.00313 and 0.00330; 1000 Genomes Project 30x 0.00312; TOPMed 0.00340.

Submissions (9):

PreventionGenetics, part of Exact Sciences
Classification: Benign for PLEC-related condition. Last evaluated: 2026-05-27. Review status: criteria provided, single submitter. Criteria: ACMG Guidelines, 2015. Collection method: clinical testing. Allele origin: germline.
Comment: This variant is classified as benign based on ACMG/AMP sequence variant interpretation guidelines (Richards et al. 2015 PMID: 25741868, with internal and published modifications).

Labcorp Genetics (formerly Invitae), Labcorp
Classification: Benign for Autosomal recessive limb-girdle muscular dystrophy type 2Q; Epidermolysis bullosa simplex, Ogna type; Epidermolysis bullosa simplex with nail dystrophy; Epidermolysis bullosa simplex 5C, with pyloric atresia; Epidermolysis bullosa simplex 5B, with muscular dystrophy. Last evaluated: 2026-01-27. Review status: criteria provided, single submitter. Criteria: Invitae Variant Classification Sherloc (09022015). Collection method: clinical testing. Allele origin: germline.

CeGaT Center for Human Genetics Tuebingen
Classification: Likely benign. Last evaluated: 2025-12-01. Review status: criteria provided, single submitter. Criteria: CeGaT Center For Human Genetics Tuebingen Variant Classification Criteria Version 2. Collection method: clinical testing. Allele origin: germline. Affected: yes. Observed: 1 variant allele.
Comment: PLEC: BS1

Ambry Genetics
Classification: Uncertain significance for Inborn genetic diseases. Last evaluated: 2025-08-02. Review status: criteria provided, single submitter. Criteria: Ambry Variant Classification Scheme 2023. Collection method: clinical testing. Allele origin: germline.

Blueprint Genetics
Classification: Likely benign. Last evaluated: 2024-09-13. Review status: criteria provided, single submitter. Criteria: ACMG Guidelines, 2015. Collection method: clinical testing. Allele origin: germline.

GeneDx
Classification: Likely benign. Last evaluated: 2021-05-26. Review status: criteria provided, single submitter. Criteria: GeneDx Variant Classification Process June 2021. Collection method: clinical testing. Allele origin: germline. Affected: yes.

Athena Diagnostics
Classification: Benign. Last evaluated: 2020-02-17. Review status: criteria provided, single submitter. Criteria: Athena Diagnostics Criteria. Collection method: clinical testing. Allele origin: unknown.

Eurofins Ntd Llc (ga)
Classification: Benign. Last evaluated: 2015-09-15. Review status: criteria provided, single submitter. Criteria: EGL Classification Definitions 2015. Collection method: clinical testing. Allele origin: germline. Observed: 1 variant allele, 1 heterozygote.

Breakthrough Genomics
Classification: Likely benign. Review status: criteria provided, single submitter. Criteria: ACMG Guidelines, 2015. Collection method: not provided. Allele origin: germline. Inheritance: Autosomal recessive inheritance. Affected: yes.

NM_201384.3(PLEC):c.7880C>G (p.Pro2627Arg)

Gene: PLEC (plectin; minus strand). Cytogenetic location: 8q24.3.
Variant type: single nucleotide variant.
Coding change: c.7880C>G on transcript NM_201384.3 (MANE Select); coding-DNA position 7880, C replaced by G.
Protein change: p.Pro2627Arg; replaces proline 2627 with arginine.
Molecular consequence: missense variant.
Genome position (GRCh38, 1-based): chr8:143,921,941, G>C on the plus strand (C>G on the coding strand, the complement: PLEC is on the minus strand). VCF-style: chr8-143921941-G-C. GRCh37 (hg19) VCF-style: chr8-144996109-G-C.
Other names: c.7961C>G, p.Pro2654Arg (NM_000445.5); c.7838C>G, p.Pro2613Arg (NM_201378.4); c.7814C>G, p.Pro2605Arg (NM_201379.3); c.8291C>G, p.Pro2764Arg (NM_201380.4); c.7784C>G, p.Pro2595Arg (NM_201381.3); c.7880C>G, p.Pro2627Arg (NM_201382.4); c.7892C>G, p.Pro2631Arg (NM_201383.3); short protein forms P2595R, P2605R, P2613R, P2627R, P2631R, P2654R, P2764R.
Identifiers: ClinVar variation 93081 (VCV000093081.28), dbSNP rs184879368, ClinGen allele CA146563.
Genomic context (GRCh38, chr8:143,921,941, plus strand): 5'-TCGAAGCTGTGCTCCGGCTCTGCCTCTGCCGCGGGGCCATCAAGTGCATCCCGGCCATTG[G>C]GCAGGGTCTTTGTGGCAGCCACCTGCGAGGCAGTGACCTCCTCTGAGTGCGCCAGCGCGG-3'
Protein context (NP_958786.1, residues 2617-2637): ASQVAATKTL[Pro2627Arg]NGRDALDGPA